The following is an entry in ClinVar:

ClinVar aggregate classification (germline): Pathogenic/Likely pathogenic. Review status: criteria provided, multiple submitters, no conflicts (2 of 4 stars). 4 submissions from 4 submitters: Pathogenic (1); Likely pathogenic (3). Last evaluated 2022-03-20.

Conditions:
CACNA1A-related disorder. Also called: CACNA1A-related condition.
Inborn genetic diseases. Identifiers: MedGen C0950123, MeSH D030342.
Migraine, familial hemiplegic, 1. Also called: MIGRAINE, FAMILIAL HEMIPLEGIC 1, WITH PROGRESSIVE CEREBELLAR ATAXIA. Identifiers: Orphanet 569, MedGen C1832884, MONDO:0020756, OMIM 141500, MONDO:0007714.
Developmental and epileptic encephalopathy, 52 (DEE52). Also called: Epileptic encephalopathy, early infantile, 52. Identifiers: MedGen C4479236, MONDO:0033361, OMIM 617350.
Episodic ataxia type 2 (EA2). Also called: CEREBELLAR ATAXIA, PAROXYSMAL, ACETAZOLAMIDE-RESPONSIVE; CEREBELLOPATHY, HEREDITARY PAROXYSMAL; EPISODIC ATAXIA, NYSTAGMUS-ASSOCIATED; ATAXIA, EPISODIC, WITH NYSTAGMUS; ATAXIA, FAMILIAL PAROXYSMAL; ACETAZOLAMIDE-RESPONSIVE HEREDITARY PAROXYSMAL CEREBELLAR ATAXIA. Identifiers: Orphanet 97, MedGen C1720416, MONDO:0007163, OMIM 108500.
Spinocerebellar ataxia type 6 (SCA6). Identifiers: Orphanet 98758, MedGen C0752124, MONDO:0008457, OMIM 183086.
Developmental and epileptic encephalopathy, 42 (DEE42A). Also called: Epileptic encephalopathy, early infantile, 42; DEVELOPMENTAL AND EPILEPTIC ENCEPHALOPATHY 42A; EPILEPTIC ENCEPHALOPATHY, EARLY INFANTILE, 42A. Identifiers: MedGen C4310716, MONDO:0014917, OMIM 617106.

Submissions (4):

Wendy Chung Laboratory, Boston Children's Hospital
Classification: Likely pathogenic for Developmental and epileptic encephalopathy, 52; Episodic ataxia type 2; Migraine, familial hemiplegic, 1; Spinocerebellar ataxia type 6. Last evaluated: 2022-03-20. Review status: criteria provided, single submitter. Criteria: ACMG Guidelines, 2015. Collection method: clinical testing. Allele origin: de novo. Affected: yes.

Labcorp Genetics (formerly Invitae), Labcorp
Classification: Pathogenic for Developmental and epileptic encephalopathy, 42; Episodic ataxia type 2. Last evaluated: 2021-04-23. Review status: criteria provided, single submitter. Criteria: Invitae Variant Classification Sherloc (09022015). Collection method: clinical testing. Allele origin: germline.
Comment: This variant is not present in population databases (ExAC no frequency). For these reasons, this variant has been classified as Pathogenic. This variant disrupts the p.Arg1667 amino acid residue in CACNA1A. Other variant(s) that disrupt this residue have been determined to be pathogenic (PMID: 11439943). This suggests that this residue is clinically significant, and that variants that disrupt this residue are likely to be disease-causing. Advanced modeling of protein sequence and biophysical properties (such as structural, functional, and spatial information, amino acid conservation, physicochemical variation, residue mobility, and thermodynamic stability) performed at Invitae indicates that this missense variant is expected to disrupt CACNA1A protein function. This variant has been observed in individual(s) with clinical features of CACNA1A-related conditions (PMID: 32170034). In at least one individual the variant was observed to be de novo. ClinVar contains an entry for this variant (Variation ID: 638582). This sequence change replaces arginine with proline at codon 1667 of the CACNA1A protein (p.Arg1667Pro). The arginine residue is highly conserved and there is a moderate physicochemical difference between arginine and proline.

Ambry Genetics
Classification: Likely pathogenic for Inborn genetic diseases. Last evaluated: 2021-01-25. Review status: criteria provided, single submitter. Criteria: Ambry Variant Classification Scheme 2023. Collection method: clinical testing. Allele origin: germline.
Comment: The c.5000G>C (p.R1667P) alteration is located in exon 32 (coding exon 32) of the CACNA1A gene. This alteration results from a G to C substitution at nucleotide position 5000, causing the arginine (R) at amino acid position 1667 to be replaced by a proline (P). Based on data from the Genome Aggregation Database (gnomAD), the CACNA1A c.5000G>C alteration was not observed, with coverage at this position. This alteration was detected as de novo in a child with severe CACNA1A-related disorder who experienced cerebellar ataxia, dysarthria, generalized dystonia, and refractory, fatal brain edema (Gauquelin, 2020). Another alteration at the same codon, p.R1667W (c.4999C>T), has been detected in a mother and daughter with symptoms of episodic ataxia and familial hemiplegic migraine (Marti, 2008) and in over ten individuals individuals with familial hemiplegic migraines (Indelicato, 2019; Ducros, 2001). This amino acid position is highly conserved in available vertebrate species. The p.R1667P alteration is predicted to be deleterious by in silico analysis. Based on the available evidence, this alteration is classified as likely pathogenic.

Undiagnosed Diseases Network, NIH
Classification: Likely pathogenic for CACNA1A-related condition. Last evaluated: 2019-02-10. Review status: criteria provided, single submitter. Criteria: ACMG Guidelines, 2015. Collection method: clinical testing. Allele origin: de novo. Inheritance: Autosomal dominant inheritance. Affected: yes. Observed: 1 variant allele, 1 heterozygote. Study: Undiagnosed Diseases Network (NIH), UDN.

Literature cited by the submitters: PubMed 11439943 (cited by Labcorp Genetics (formerly Invitae), Labcorp and Ambry Genetics); PubMed 32170034 (cited by Labcorp Genetics (formerly Invitae), Labcorp and Ambry Genetics); PubMed 18437043 (cited by Ambry Genetics); PubMed 30063100 (cited by Ambry Genetics).

NM_001127222.2(CACNA1A):c.4997G>C (p.Arg1666Pro)

Gene: CACNA1A (calcium voltage-gated channel subunit alpha1 A; minus strand). Cytogenetic location: 19p13.13.
Variant type: single nucleotide variant.
Coding change: c.4997G>C on transcript NM_001127222.2 (MANE Select); coding-DNA position 4997, G replaced by C.
Protein change: p.Arg1666Pro; replaces arginine 1666 with proline.
Molecular consequence: missense variant.
Genome position (GRCh38, 1-based): chr19:13,235,684, C>G on the plus strand (G>C on the coding strand, the complement: CACNA1A is on the minus strand). VCF-style: chr19-13235684-C-G. GRCh37 (hg19) VCF-style: chr19-13346498-C-G.
Other names: c.5015G>C, p.Arg1672Pro (NM_000068.4, NM_023035.3); c.5000G>C, p.Arg1667Pro (NM_001127221.2); c.5006G>C, p.Arg1669Pro (NM_001174080.2); short protein forms R1667P, R1672P, R1666P, R1669P.
Identifiers: ClinVar variation 638582 (VCV000638582.13), dbSNP rs1568447650, ClinGen allele CA404336903.